The following is an entry in ClinVar:

ClinVar aggregate classification (germline): Uncertain significance (1 of 4 stars; one submission).

Allele frequency attached by ClinVar (database versions not stated): gnomAD 0.00001.

Submission:

Labcorp Genetics (formerly Invitae), Labcorp
Classification: Uncertain significance. Last evaluated: 2023-10-13. Review status: criteria provided, single submitter. Criteria: Invitae Variant Classification Sherloc (09022015). Collection method: clinical testing. Allele origin: germline.
Comment: This sequence change replaces arginine, which is basic and polar, with tryptophan, which is neutral and slightly polar, at codon 21 of the NAXE protein (p.Arg21Trp). This variant is not present in population databases (gnomAD no frequency). This variant has not been reported in the literature in individuals affected with NAXE-related conditions. ClinVar contains an entry for this variant (Variation ID: 1439243). An algorithm developed to predict the effect of missense changes on protein structure and function (PolyPhen-2) suggests that this variant is likely to be disruptive. In summary, the available evidence is currently insufficient to determine the role of this variant in disease. Therefore, it has been classified as a Variant of Uncertain Significance.

NM_144772.3(NAXE):c.61C>T (p.Arg21Trp)

Gene: NAXE (NAD(P)HX epimerase; plus strand). Cytogenetic location: 1q22.
Variant type: single nucleotide variant.
Coding change: c.61C>T on transcript NM_144772.3 (MANE Select); coding-DNA position 61, C replaced by T.
Protein change: p.Arg21Trp; replaces arginine 21 with tryptophan.
Molecular consequence: missense variant.
Genome position (GRCh38, 1-based): chr1:156,591,865, C>T. VCF-style: chr1-156591865-C-T. GRCh37 (hg19) VCF-style: chr1-156561657-C-T.
Other names: short protein forms R21W.
Identifiers: ClinVar variation 1439243 (VCV001439243.8), dbSNP rs1219230367, ClinGen allele CA342870466.